The following is an entry in ClinVar:

NM_021098.3(CACNA1H):c.4495G>A (p.Val1499Met)

Gene: CACNA1H (calcium voltage-gated channel subunit alpha1 H; plus strand). Cytogenetic location: 16p13.3.
Variant type: single nucleotide variant.
Coding change: c.4495G>A on transcript NM_021098.3 (MANE Select); coding-DNA position 4495, G replaced by A.
Protein change: p.Val1499Met; replaces valine 1499 with methionine.
Molecular consequence: missense variant.
Genome position (GRCh38, 1-based): chr16:1,211,734, G>A. VCF-style: chr16-1211734-G-A. GRCh37 (hg19) VCF-style: chr16-1261734-G-A.
Other names: c.4495G>A, p.Val1499Met (NM_001005407.2); short protein forms V1499M.
Identifiers: ClinVar variation 1411354 (VCV001411354.8), dbSNP rs758872935, ClinGen allele CA7801394.
Genomic context (GRCh38, chr16:1,211,734, plus strand): 5'-CCAGCTCTAACCCTCGCCAGTGACCCTGGCTCTGGCCCTCAGGCCCTGATGTCGCTGTTC[G>A]TGCTGTCATCCAAGGATGGATGGGTGAACATCATGTACGACGGGCTGGATGCCGTGGGTG-3'
Protein context (NP_066921.2, residues 1489-1509): NLGQALMSLF[Val1499Met]LSSKDGWVNI

ClinVar aggregate classification (germline): Uncertain significance (1 of 4 stars; one submission).

Conditions:
Idiopathic generalized epilepsy. Also called: Generalised epilepsy; EIG. Identifiers: MedGen C0270850, MONDO:0005579, OMIM 600669.
Hyperaldosteronism, familial, type IV (HALD4). Also called: FH IV; ALDOSTERONISM, PRIMARY, AND HYPERTENSION. Identifiers: Orphanet 642671, MedGen C4310756, MONDO:0014875, OMIM 617027.

Allele frequency attached by ClinVar (database versions not stated): gnomAD exomes below 0.00001 and 0.00001; ExAC 0.00001.
gnomAD v4.1: 6 of 1,612,612 alleles (0.00037%); highest among the groups gnomAD compares: Non-Finnish European, 0.00034%; no homozygotes.

Submission:

Labcorp Genetics (formerly Invitae), Labcorp
Classification: Uncertain significance for Idiopathic generalized epilepsy; Hyperaldosteronism, familial, type IV. Last evaluated: 2021-03-26. Review status: criteria provided, single submitter. Criteria: Invitae Variant Classification Sherloc (09022015). Collection method: clinical testing. Allele origin: germline.
Comment: This sequence change replaces valine with methionine at codon 1499 of the CACNA1H protein (p.Val1499Met). The valine residue is highly conserved and there is a small physicochemical difference between valine and methionine. In summary, the available evidence is currently insufficient to determine the role of this variant in disease. Therefore, it has been classified as a Variant of Uncertain Significance. Advanced modeling of protein sequence and biophysical properties (such as structural, functional, and spatial information, amino acid conservation, physicochemical variation, residue mobility, and thermodynamic stability) performed at Invitae indicates that this missense variant is expected to disrupt CACNA1H protein function. This variant has not been reported in the literature in individuals with CACNA1H-related conditions. This variant is present in population databases (rs758872935, ExAC 0.002%).